The following is an entry in ClinVar:

ClinVar aggregate classification (germline): Benign/Likely benign. Review status: criteria provided, multiple submitters, no conflicts (2 of 4 stars). 10 submissions from 10 submitters: Benign (4); Likely benign (4). 2 of the submissions do not count toward it. Last evaluated 2026-02-03.

Conditions:
Atrial conduction disease. Identifiers: Orphanet 436242, MedGen CN221670, MONDO:0014500.
TNNI3K-related disorder. Also called: TNNI3K-related condition.

Allele frequency attached by ClinVar (database versions not stated): ESP Exome Variant Server 0.00408; gnomAD 0.00806 and 0.00979; gnomAD exomes 0.00832 and 0.01704; TOPMed 0.00878; ExAC 0.01687; 1000 Genomes Project 30x 0.01952; 1000 Genomes Project 0.02097.
gnomAD v4.1: 13,978 of 1,614,192 alleles (0.87%); highest among the groups gnomAD compares: East Asian, 4.1%; 215 homozygotes.

Submissions (11):

Labcorp Genetics (formerly Invitae), Labcorp
Classification: Benign. Last evaluated: 2026-02-03. Review status: criteria provided, single submitter. Criteria: Invitae Variant Classification Sherloc (09022015). Collection method: clinical testing. Allele origin: germline.

Mayo Clinic Laboratories, Mayo Clinic
Classification: Likely benign. Last evaluated: 2025-09-05. Review status: criteria provided, single submitter. Criteria: ACMG Guidelines, 2015. Collection method: clinical testing. Allele origin: germline. Observed: 11 variant alleles.
Comment: BS1, BS2

ARUP Laboratories, Molecular Genetics and Genomics, ARUP Laboratories
Classification: Benign for Cardiac conduction disease with or without dilated cardiomyopathy 1. Last evaluated: 2025-07-10. Review status: criteria provided, single submitter. Criteria: ARUP Molecular Germline Variant Investigation Process 2024. Collection method: clinical testing. Allele origin: germline.

Molecular Diagnostic Laboratory for Inherited Cardiovascular Disease, Montreal Heart Institute
Classification: Likely benign. Last evaluated: 2025-04-09. Review status: criteria provided, single submitter. Criteria: ACMG Guidelines, 2015. Collection method: clinical testing. Allele origin: germline. Affected: no.

Blueprint Genetics
Classification: Likely benign. Last evaluated: 2024-11-25. Review status: criteria provided, single submitter. Criteria: ACMG Guidelines, 2015. Collection method: clinical testing. Allele origin: germline.

GeneDx
Classification: Likely benign. Last evaluated: 2024-04-04. Review status: criteria provided, single submitter. Criteria: GeneDx Variant Classification Process June 2021. Collection method: clinical testing. Allele origin: germline. Affected: yes.
Comment: See Variant Classification Assertion Criteria.

Genome-Nilou Lab
Classification: Benign for Cardiac conduction disease with or without dilated cardiomyopathy 1. Last evaluated: 2023-04-11. Review status: criteria provided, single submitter. Criteria: ACMG Guidelines, 2015. Collection method: clinical testing. Allele origin: germline. Affected: no.

Breakthrough Genomics
Classification: Benign. Review status: criteria provided, single submitter. Criteria: ACMG Guidelines, 2015. Collection method: not provided. Allele origin: germline. Inheritance: Autosomal dominant inheritance. Affected: yes.

PreventionGenetics, part of Exact Sciences
Classification: Benign for TNNI3K-related condition. Last evaluated: 2019-04-09. Review status: no assertion criteria provided. Collection method: clinical testing. Allele origin: germline. Not counted in ClinVar's aggregate classification.
Comment: This variant is classified as benign based on ACMG/AMP sequence variant interpretation guidelines (Richards et al. 2015 PMID: 25741868, with internal and published modifications).

Joint Genome Diagnostic Labs from Nijmegen and Maastricht, Radboudumc and MUMC+
Classification: Likely benign. Review status: no assertion criteria provided. Collection method: clinical testing. Allele origin: germline. Affected: yes. Study: VKGL Data-share Consensus. Not counted in ClinVar's aggregate classification.

Sucov lab, Medical University of South Carolina
No classification provided (evidence only). Review status: no classification provided. Collection method: research. Allele origin: not applicable. Inheritance: Autosomal recessive inheritance. Functional consequence: variation affecting protein function. Not counted in ClinVar's aggregate classification.
Comment: Not assessed in humans, inferred based on mouse observations.
ClinVar note: "not provided" was previously submitted as the classification for the variant. However, the classification appeared to be based only on an observation of functional data so it was converted to no classification on 2025-07-30.

Literature cited by the submitters: PubMed 31589606 (cited by Mayo Clinic Laboratories, Mayo Clinic); PubMed 33084860 (cited by Mayo Clinic Laboratories, Mayo Clinic and Sucov lab, Medical University of South Carolina); PubMed 34203974 (cited by Mayo Clinic Laboratories, Mayo Clinic); PubMed 36927930 (cited by Mayo Clinic Laboratories, Mayo Clinic).

NM_015978.3(TNNI3K):c.2057T>C (p.Ile686Thr)

Genes: FPGT-TNNI3K (FPGT-TNNI3K readthrough; plus strand), TNNI3K (TNNI3 interacting kinase; plus strand). Cytogenetic location: 1p31.1.
Variant type: single nucleotide variant.
Coding change: c.2057T>C on transcript NM_015978.3 (MANE Select); coding-DNA position 2057, T replaced by C.
Protein change: p.Ile686Thr; replaces isoleucine 686 with threonine.
Molecular consequence: missense variant.
Genome position (GRCh38, 1-based): chr1:74,463,486, T>C. VCF-style: chr1-74463486-T-C. GRCh37 (hg19) VCF-style: chr1-74929170-T-C.
Other names: rs3737564; p.Ile686Thr; c.2360T>C, p.Ile787Thr (NM_001112808.3, NM_001199327.2); short protein forms I686T, I787T.
Identifiers: ClinVar variation 996116 (VCV000996116.22), dbSNP rs3737564, ClinGen allele CA909581.